The following is an entry in ClinVar:

NM_000152.5(GAA):c.1838_1839delinsCT (p.Trp613Ser)

Gene: GAA (alpha glucosidase; plus strand). Cytogenetic location: 17q25.3.
Variant type: Indel.
Coding change: c.1838_1839delinsCT on transcript NM_000152.5 (MANE Select); coding-DNA positions 1838 to 1839, GG replaced by CT.
Protein change: p.Trp613Ser; replaces tryptophan 613 with serine.
Molecular consequence: missense variant.
Genome position (GRCh38, 1-based): chr17:80,112,661-80,112,662, GG replaced by CT. VCF-style: chr17-80112661-GG-CT. GRCh37 (hg19) VCF-style: chr17-78086460-GG-CT.
Other names: c.1838_1839delinsCT, p.Trp613Ser (NM_001079803.3, NM_001079804.3, NM_001406741.1 and 1 more transcripts); short protein forms W613S.
Identifiers: ClinVar variation 3896661 (VCV003896661.2).

ClinVar aggregate classification (germline): Uncertain significance (1 of 4 stars; one submission).

Submission:

Women's Health and Genetics/Laboratory Corporation of America, LabCorp
Classification: Uncertain significance. Last evaluated: 2025-04-23. Review status: criteria provided, single submitter. Criteria: LabCorp Variant Classification Summary - May 2015. Collection method: clinical testing. Allele origin: germline.
Comment: Variant summary: GAA c.1838_1839delinsCT (p.Trp613Ser) results in a non-conservative amino acid change in the encoded protein sequence. Three of five in-silico tools predict a damaging effect of the variant on protein function. The frequency of this variant in the general population could not be determined as the technology used for large population databases (ExAC, gnomAD, ESP, 1000G) cannot detect variants of this type. The available data on variant occurrences in the general population are insufficient to allow any conclusion about variant significance. To our knowledge, no occurrence of c.1838_1839delinsCT in individuals affected with Glycogen Storage Disease, Type 2 (Pompe Disease) and no experimental evidence demonstrating its impact on protein function have been reported. No submitters have cited clinical-significance assessments for this variant to ClinVar. Based on the evidence outlined above, the variant was classified as uncertain significance.